The following is an entry in ClinVar:

NM_002894.3(RBBP8):c.2435C>T (p.Thr812Met)

Gene: RBBP8 (RB binding protein 8, endonuclease; plus strand). Cytogenetic location: 18q11.2.
Variant type: single nucleotide variant.
Coding change: c.2435C>T on transcript NM_002894.3 (MANE Select); coding-DNA position 2435, C replaced by T.
Protein change: p.Thr812Met; replaces threonine 812 with methionine.
Molecular consequence: missense variant. On other transcripts: intron variant (1).
Genome position (GRCh38, 1-based): chr18:23,016,905, C>T. VCF-style: chr18-23016905-C-T. GRCh37 (hg19) VCF-style: chr18-20596868-C-T.
Other names: c.2435C>T, p.Thr812Met (NM_203291.2); c.2358-5224C>T (NM_203292.2); short protein forms T812M.
Identifiers: ClinVar variation 1030603 (VCV001030603.4), dbSNP rs778024948, ClinGen allele CA8910353.

ClinVar aggregate classification (germline): Uncertain significance. Review status: criteria provided, multiple submitters, no conflicts (2 of 4 stars). 3 submissions from 3 submitters: Uncertain significance (3). Last evaluated 2023-12-19.

Conditions:
Inborn genetic diseases. Identifiers: MedGen C0950123, MeSH D030342.
Jawad syndrome (JWDS). Also called: MICROCEPHALY WITH IMPAIRED INTELLECTUAL DEVELOPMENT AND DIGITAL ANOMALIES; KELLY SYNDROME. Identifiers: Orphanet 313795, MedGen C0796063, MONDO:0009622, OMIM 251255.

Allele frequency attached by ClinVar (database versions not stated): gnomAD 0.00002 and 0.00003; gnomAD exomes 0.00003 and 0.00006; TOPMed 0.00004; ExAC 0.00007.
gnomAD v4.1: 48 of 1,612,802 alleles (0.003%); highest among the groups gnomAD compares: Admixed American, 0.02%; no homozygotes.

Submissions (3):

Labcorp Genetics (formerly Invitae), Labcorp
Classification: Uncertain significance. Last evaluated: 2023-12-19. Review status: criteria provided, single submitter. Criteria: Invitae Variant Classification Sherloc (09022015). Collection method: clinical testing. Allele origin: germline.
Comment: This sequence change replaces threonine, which is neutral and polar, with methionine, which is neutral and non-polar, at codon 812 of the RBBP8 protein (p.Thr812Met). This variant is present in population databases (rs778024948, gnomAD 0.03%). This variant has not been reported in the literature in individuals affected with RBBP8-related conditions. ClinVar contains an entry for this variant (Variation ID: 1030603). An algorithm developed to predict the effect of missense changes on protein structure and function (PolyPhen-2) suggests that this variant is likely to be disruptive. In summary, the available evidence is currently insufficient to determine the role of this variant in disease. Therefore, it has been classified as a Variant of Uncertain Significance.

Ambry Genetics
Classification: Uncertain significance for Inborn genetic diseases. Last evaluated: 2021-05-27. Review status: criteria provided, single submitter. Criteria: Ambry Variant Classification Scheme 2023. Collection method: clinical testing. Allele origin: germline.

Baylor Genetics
Classification: Uncertain significance for Jawad syndrome. Last evaluated: 2019-03-08. Review status: criteria provided, single submitter. Criteria: ACMG Guidelines, 2015. Collection method: clinical testing. Allele origin: paternal. Affected: yes.
Comment: This variant was determined to be of uncertain significance according to ACMG Guidelines, 2015 [PMID:25741868].